The following is an entry in ClinVar:

ClinVar aggregate classification (germline): Uncertain significance. Review status: criteria provided, multiple submitters, no conflicts (2 of 4 stars). 2 submissions from 2 submitters: Uncertain significance (2). Last evaluated 2024-10-10.

Conditions:
Intellectual developmental disorder, autosomal dominant 6, with or without seizures. Also called: Intellectual disability, autosomal dominant 6; GRIN2B-related developmental delay, intellectual disability and autism spectrum disorder. Identifiers: Orphanet 589547, MedGen C3151411, MONDO:0013509, OMIM 613970.
Developmental and epileptic encephalopathy, 27 (DEE27). Also called: Epileptic encephalopathy, early infantile, 27; GRIN2B-Related Neurodevelopmental Disorder. Identifiers: Orphanet 3451, MedGen C4015316, MONDO:0014505, OMIM 616139.

Submissions (2):

GeneDx
Classification: Uncertain significance. Last evaluated: 2024-10-10. Review status: criteria provided, single submitter. Criteria: GeneDx Variant Classification Process June 2021. Collection method: clinical testing. Allele origin: germline. Affected: yes.
Comment: Not observed at significant frequency in large population cohorts (gnomAD); In silico analysis supports that this missense variant has a deleterious effect on protein structure/function; Has not been previously published as pathogenic or benign to our knowledge

Labcorp Genetics (formerly Invitae), Labcorp
Classification: Uncertain significance for Developmental and epileptic encephalopathy, 27; Mental retardation, autosomal dominant 6. Last evaluated: 2019-10-30. Review status: criteria provided, single submitter. Criteria: Invitae Variant Classification Sherloc (09022015). Collection method: clinical testing. Allele origin: germline.
Comment: This sequence change replaces serine with isoleucine at codon 1284 of the GRIN2B protein (p.Ser1284Ile). The serine residue is moderately conserved and there is a large physicochemical difference between serine and isoleucine. This variant is not present in population databases (ExAC no frequency). This variant has not been reported in the literature in individuals with GRIN2B-related conditions. Algorithms developed to predict the effect of missense changes on protein structure and function are either unavailable or do not agree on the potential impact of this missense change (SIFT: "Tolerated"; PolyPhen-2: "Possibly Damaging"; Align-GVGD: "Class C0"). In summary, the available evidence is currently insufficient to determine the role of this variant in disease. Therefore, it has been classified as a Variant of Uncertain Significance.

NM_000834.5(GRIN2B):c.3851G>T (p.Ser1284Ile)

Gene: GRIN2B (glutamate ionotropic receptor NMDA type subunit 2B; minus strand). Cytogenetic location: 12p13.1.
Variant type: single nucleotide variant.
Coding change: c.3851G>T on transcript NM_000834.5 (MANE Select); coding-DNA position 3851, G replaced by T.
Protein change: p.Ser1284Ile; replaces serine 1284 with isoleucine.
Molecular consequence: missense variant.
Genome position (GRCh38, 1-based): chr12:13,563,387, C>A on the plus strand (G>T on the coding strand, the complement: GRIN2B is on the minus strand). VCF-style: chr12-13563387-C-A. GRCh37 (hg19) VCF-style: chr12-13716321-C-A.
Other names: short protein forms S1284I.
Identifiers: ClinVar variation 968312 (VCV000968312.2), dbSNP rs1948577072, ClinGen allele CA383987366.